The following is an entry in ClinVar:

ClinVar aggregate classification (germline): Uncertain significance (1 of 4 stars; one submission).

Conditions:
Inborn genetic diseases. Identifiers: MedGen C0950123, MeSH D030342.

Allele frequency attached by ClinVar (database versions not stated): TOPMed 0.00001.

Submission:

Ambry Genetics
Classification: Uncertain significance for Inborn genetic diseases. Last evaluated: 2022-03-03. Review status: criteria provided, single submitter. Criteria: Ambry Variant Classification Scheme 2023. Collection method: clinical testing. Allele origin: germline.
Comment: The p.G255C variant (also known as c.763G>T), located in coding exon 6 of the FUS gene, results from a G to T substitution at nucleotide position 763. The glycine at codon 255 is replaced by cysteine, an amino acid with highly dissimilar properties. This amino acid position is conserved. In addition, this alteration is predicted to be deleterious by in silico analysis. Since supporting evidence is limited at this time, the clinical significance of this alteration remains unclear.

NM_004960.4(FUS):c.763G>T (p.Gly255Cys)

Gene: FUS (FUS RNA binding protein; plus strand). Cytogenetic location: 16p11.2.
Variant type: single nucleotide variant.
Coding change: c.763G>T on transcript NM_004960.4 (MANE Select); coding-DNA position 763, G replaced by T.
Protein change: p.Gly255Cys; replaces glycine 255 with cysteine.
Molecular consequence: missense variant. On other transcripts: non-coding transcript variant (1).
Genome position (GRCh38, 1-based): chr16:31,185,178, G>T. VCF-style: chr16-31185178-G-T. GRCh37 (hg19) VCF-style: chr16-31196499-G-T.
Other names: c.760G>T, p.Gly254Cys (NM_001170634.1); c.751G>T, p.Gly251Cys (NM_001170937.1); short protein forms G254C, G251C, G255C.
Identifiers: ClinVar variation 1759938 (VCV001759938.2), dbSNP rs2079249224, ClinGen allele CA395670899.
Genomic context (GRCh38, chr16:31,185,178, plus strand): 5'-AGCAGTGGTGGCTATGAACCCAGAGGTCGTGGAGGTGGCCGTGGAGGCAGAGGTGGCATG[G>T]GGTAGGTGTCTCATGAGCCAGGGAGTATCTTTGGTGGGGAGTGTGGAGGATTGCATGAAT-3'
Protein context (NP_004951.1, residues 245-265): GGGRGGRGGM[Gly255Cys]GSDRGGFNKF